The following is an entry in ClinVar:

ClinVar aggregate classification (germline): Uncertain significance. Review status: criteria provided, multiple submitters, no conflicts (2 of 4 stars). 2 submissions from 2 submitters: Uncertain significance (2). Last evaluated 2024-07-12.

gnomAD v4.1: 8 of 1,613,942 alleles (0.0005%); highest among the groups gnomAD compares: East Asian, 0.0022%; no homozygotes.

Submissions (2):

Blueprint Genetics
Classification: Uncertain significance. Last evaluated: 2024-07-12. Review status: criteria provided, single submitter. Criteria: ACMG Guidelines, 2015. Collection method: clinical testing. Allele origin: germline.

Labcorp Genetics (formerly Invitae), Labcorp
Classification: Uncertain significance. Last evaluated: 2024-04-10. Review status: criteria provided, single submitter. Criteria: Invitae Variant Classification Sherloc (09022015). Collection method: clinical testing. Allele origin: germline.
Comment: This sequence change replaces proline, which is neutral and non-polar, with serine, which is neutral and polar, at codon 265 of the FCHO1 protein (p.Pro265Ser). This variant is present in population databases (no rsID available, gnomAD 0.006%). This variant has not been reported in the literature in individuals affected with FCHO1-related conditions. An algorithm developed to predict the effect of missense changes on protein structure and function (PolyPhen-2) suggests that this variant is likely to be tolerated. In summary, the available evidence is currently insufficient to determine the role of this variant in disease. Therefore, it has been classified as a Variant of Uncertain Significance.

NM_015122.3(FCHO1):c.793C>T (p.Pro265Ser)

Gene: FCHO1 (FCH and mu domain containing endocytic adaptor 1; plus strand). Cytogenetic location: 19p13.11.
Variant type: single nucleotide variant.
Coding change: c.793C>T on transcript NM_015122.3 (MANE Select); coding-DNA position 793, C replaced by T.
Protein change: p.Pro265Ser; replaces proline 265 with serine.
Molecular consequence: missense variant. On other transcripts: non-coding transcript variant (36), intron variant (1).
Genome position (GRCh38, 1-based): chr19:17,774,241, C>T. VCF-style: chr19-17774241-C-T. GRCh37 (hg19) VCF-style: chr19-17885050-C-T.
Other names: c.793C>T, p.Pro265Ser (NM_001161357.2, NM_001161358.2, NM_001384370.1 and 25 more transcripts); c.643C>T, p.Pro215Ser (NM_001161359.2, NM_001384384.1, NM_001384385.1 and 3 more transcripts); c.754C>T, p.Pro252Ser (NM_001384388.1, NM_001384389.1, NM_001384405.1); c.718C>T, p.Pro240Ser (NM_001384390.1); c.791-153C>T (NM_001384403.1); short protein forms P215S, P240S, P252S, P265S.
Identifiers: ClinVar variation 3626033 (VCV003626033.3).